The following is an entry in ClinVar:

ClinVar aggregate classification (germline): Uncertain significance (1 of 4 stars; one submission).

gnomAD v4.1: 8,180 of 1,613,708 alleles (0.51%); highest among the groups gnomAD compares: Non-Finnish European, 0.63%; 26 homozygotes.

Submission:

Ambry Genetics
Classification: Uncertain significance. Last evaluated: 2025-09-24. Review status: criteria provided, single submitter. Criteria: Ambry Variant Classification Scheme 2023. Collection method: clinical testing. Allele origin: germline.
Comment: The c.1852C>G (p.Q618E) alteration is located in exon (coding exon ) of the SH3RF3 gene. This alteration results from a C to G substitution at nucleotide position 1852, causing the glutamine (Q) at amino acid position 618 to be replaced by a glutamic acid (E). Based on insufficient or conflicting evidence, the clinical significance of this alteration remains unclear.

NM_001099289.3(SH3RF3):c.1852C>G (p.Gln618Glu)

Genes: RANBP2 (RAN binding protein 2; plus strand), SH3RF3 (SH3 domain containing ring finger 3; plus strand). Cytogenetic location: 2q13.
Variant type: single nucleotide variant.
Coding change: c.1852C>G on transcript NM_001099289.3 (MANE Select); coding-DNA position 1852, C replaced by G.
Protein change: p.Gln618Glu; replaces glutamine 618 with glutamic acid.
Molecular consequence: missense variant.
Genome position (GRCh38, 1-based): chr2:109,449,193, C>G. VCF-style: chr2-109449193-C-G. GRCh37 (hg19) VCF-style: chr2-110065649-C-G.
Other names: short protein forms Q618E.
Identifiers: ClinVar variation 4583333 (VCV004583333.1).